The following is an entry in ClinVar:

NM_018417.6(ADCY10):c.4822A>G (p.Asn1608Asp)

Gene: ADCY10 (adenylate cyclase 10; minus strand). Cytogenetic location: 1q24.2.
Variant type: single nucleotide variant.
Coding change: c.4822A>G on transcript NM_018417.6 (MANE Select); coding-DNA position 4822, A replaced by G.
Protein change: p.Asn1608Asp; replaces asparagine 1608 with aspartic acid.
Molecular consequence: missense variant.
Genome position (GRCh38, 1-based): chr1:167,809,689, T>C on the plus strand (A>G on the coding strand, the complement: ADCY10 is on the minus strand). VCF-style: chr1-167809689-T-C. GRCh37 (hg19) VCF-style: chr1-167778926-T-C.
Other names: c.4363A>G, p.Asn1455Asp (NM_001167749.3); c.4546A>G, p.Asn1516Asp (NM_001297772.2); short protein forms N1455D, N1608D, N1516D.
Identifiers: ClinVar variation 2076779 (VCV002076779.4), dbSNP rs112911097, ClinGen allele CA1226910.

ClinVar aggregate classification (germline): Uncertain significance (1 of 4 stars; one submission).

Allele frequency attached by ClinVar (database versions not stated): gnomAD exomes 0.00006; ExAC 0.00016; gnomAD 0.00042; TOPMed 0.00054; ESP Exome Variant Server 0.00069; 1000 Genomes Project 30x 0.00109; 1000 Genomes Project 0.00140.
gnomAD v4.1: 176 of 1,614,164 alleles (0.011%); highest among the groups gnomAD compares: African/African-American, 0.18%; 2 homozygotes.

Submission:

Labcorp Genetics (formerly Invitae), Labcorp
Classification: Uncertain significance. Last evaluated: 2025-06-12. Review status: criteria provided, single submitter. Criteria: Invitae Variant Classification Sherloc (09022015). Collection method: clinical testing. Allele origin: germline.
Comment: This sequence change replaces asparagine, which is neutral and polar, with aspartic acid, which is acidic and polar, at codon 1608 of the ADCY10 protein (p.Asn1608Asp). This variant is present in population databases (rs112911097, gnomAD 0.1%), and has an allele count higher than expected for a pathogenic variant. This variant has not been reported in the literature in individuals affected with ADCY10-related conditions. ClinVar contains an entry for this variant (Variation ID: 2076779). An algorithm developed to predict the effect of missense changes on protein structure and function (PolyPhen-2) suggests that this variant is likely to be tolerated. In summary, the available evidence is currently insufficient to determine the role of this variant in disease. Therefore, it has been classified as a Variant of Uncertain Significance.